The following is an entry in ClinVar:

ClinVar aggregate classification (germline): Uncertain significance (1 of 4 stars; one submission).

Allele frequency attached by ClinVar (database versions not stated): TOPMed below 0.00001; gnomAD exomes 0.00002.
gnomAD v4.1: 23 of 1,613,982 alleles (0.0014%); highest among the groups gnomAD compares: Non-Finnish European, 0.0018%; no homozygotes.

Submission:

GeneDx
Classification: Uncertain significance. Last evaluated: 2017-01-17. Review status: criteria provided, single submitter. Criteria: GeneDx Variant Classification (06012015). Collection method: clinical testing. Allele origin: germline. Affected: yes.
Comment: The H3007Q variant in the SYNE1 gene has not been reported previously as a pathogenic variant, nor as a benign variant, to our knowledge. The H3007Q variant was not observed in approximately 6500 individuals of European and African American ancestry in the NHLBI Exome Sequencing Project, indicating it is not a common benign variant in these populations. The H3007Q variant is a semi-conservative amino acid substitution, which may impact secondary protein structure as these residues differ in some properties. This substitution occurs at a position that is not conserved. In silico analysis predicts this variant likely does not alter the protein structure/function. We interpret H3007Q as a variant of uncertain significance.

NM_182961.4(SYNE1):c.9000C>A (p.His3000Gln)

Genes: SYNE1 (spectrin repeat containing nuclear envelope protein 1; minus strand), SYNE1-AS1 (SYNE1 antisense RNA 1; plus strand). Cytogenetic location: 6q25.2.
Variant type: single nucleotide variant.
Coding change: c.9000C>A on transcript NM_182961.4 (MANE Select); coding-DNA position 9000, C replaced by A.
Protein change: p.His3000Gln; replaces histidine 3000 with glutamine.
Molecular consequence: missense variant.
Genome position (GRCh38, 1-based): chr6:152,381,015, G>T on the plus strand (C>A on the coding strand, the complement: SYNE1 is on the minus strand). VCF-style: chr6-152381015-G-T. GRCh37 (hg19) VCF-style: chr6-152702150-G-T.
Other names: c.9021C>A, p.His3007Gln (NM_033071.5); short protein forms H3000Q, H3007Q.
Identifiers: ClinVar variation 392406 (VCV000392406.2), dbSNP rs1057524475, ClinGen allele CA16605055.